The following is an entry in ClinVar:

ClinVar aggregate classification (germline): Likely benign. Review status: criteria provided, single submitter (1 of 4 stars). 2 submissions from 2 submitters: Likely benign (1). 1 of the submissions does not count toward it. Last evaluated 2018-05-25.

Conditions:
MPIG6B-related disorder. Also called: MPIG6B-related condition.

Allele frequency attached by ClinVar (database versions not stated): gnomAD 0.00017; TOPMed 0.00051; ExAC 0.00068; gnomAD exomes 0.00112.
gnomAD v4.1: 341 of 1,613,982 alleles (0.021%); highest among the groups gnomAD compares: Admixed American, 0.56%; 5 homozygotes.

Submissions (2):

Labcorp Genetics (formerly Invitae), Labcorp
Classification: Likely benign. Last evaluated: 2018-05-25. Review status: criteria provided, single submitter. Criteria: Invitae Variant Classification Sherloc (09022015). Collection method: clinical testing. Allele origin: germline.

PreventionGenetics, part of Exact Sciences
Classification: Benign for MPIG6B-related condition. Last evaluated: 2019-10-28. Review status: no assertion criteria provided. Collection method: clinical testing. Allele origin: germline. Not counted in ClinVar's aggregate classification.
Comment: This variant is classified as benign based on ACMG/AMP sequence variant interpretation guidelines (Richards et al. 2015 PMID: 25741868, with internal and published modifications).

NM_138272.3(MPIG6B):c.547C>G (p.Leu183Val)

Gene: MPIG6B (megakaryocyte and platelet inhibitory receptor G6b; plus strand). Cytogenetic location: 6p21.33.
Variant type: single nucleotide variant.
Coding change: c.547C>G on transcript NM_138272.3 (MANE Select); coding-DNA position 547, C replaced by G.
Protein change: p.Leu183Val; replaces leucine 183 with valine.
Molecular consequence: missense variant.
Genome position (GRCh38, 1-based): chr6:31,724,770, C>G. VCF-style: chr6-31724770-C-G. GRCh37 (hg19) VCF-style: chr6-31692547-C-G.
Other names: c.566C>G, p.Thr189Ser (NM_025260.4, NM_138277.3); c.475C>G, p.Leu159Val (NM_138273.3); c.434C>G, p.Thr145Ser (NM_138274.3); c.415C>G, p.Leu139Val (NM_138275.3); c.566C>G (NM_025260.3); short protein forms L139V, L183V, T145S, T189S, L159V.
Identifiers: ClinVar variation 709030 (VCV000709030.5), dbSNP rs553018500, ClinGen allele CA3720419.
Genomic context (GRCh38, chr6:31,724,770, plus strand): 5'-AGCAGACACGTTGGTCACCTTCTCTCCATCCTTCAGCTCTGTCCCCCCCACATAGCTCCA[C>G]TTGTGAAAACCGAGCCCCAGAGGCCAGTAAAGGAGGAAGAGCCCAAGATTCCAGGGGACC-3'
Protein context (NP_612116.1, residues 173-193): PIRPLPRFAP[Leu183Val]VKTEPQRPVK